The following is an entry in ClinVar:

ClinVar aggregate classification (germline): Uncertain significance. Review status: criteria provided, single submitter (1 of 4 stars). 2 submissions from 2 submitters: Uncertain significance (1). 1 of the submissions does not count toward it. Last evaluated 2022-03-23.

Conditions:
Neu-Laxova syndrome 2. Identifiers: Orphanet 2671, Orphanet 583602, MedGen C4015019, MONDO:0014466, OMIM 616038.

Allele frequency attached by ClinVar (database versions not stated): ExAC 0.00001; gnomAD 0.00001; gnomAD exomes 0.00001.
gnomAD v4.1: 36 of 1,610,996 alleles (0.0022%); highest among the groups gnomAD compares: Admixed American, 0.0033%; no homozygotes.

Submissions (2):

Labcorp Genetics (formerly Invitae), Labcorp
Classification: Uncertain significance for Neu-Laxova syndrome 2. Last evaluated: 2022-03-23. Review status: criteria provided, single submitter. Criteria: Invitae Variant Classification Sherloc (09022015). Collection method: clinical testing. Allele origin: germline.
Comment: In summary, the available evidence is currently insufficient to determine the role of this variant in disease. Therefore, it has been classified as a Variant of Uncertain Significance. Experimental studies have shown that this missense change does not substantially affect PSAT1 function (PMID: 32077105). Algorithms developed to predict the effect of missense changes on protein structure and function output the following: SIFT: "Tolerated"; PolyPhen-2: "Benign"; Align-GVGD: "Class C0". The serine amino acid residue is found in multiple mammalian species, which suggests that this missense change does not adversely affect protein function. ClinVar contains an entry for this variant (Variation ID: 976932). This variant has not been reported in the literature in individuals affected with PSAT1-related conditions. This variant is present in population databases (rs757471190, gnomAD 0.003%). This sequence change replaces asparagine, which is neutral and polar, with serine, which is neutral and polar, at codon 58 of the PSAT1 protein (p.Asn58Ser).

Dudley Research Group, Pacific Northwest Research Institute
No classification provided. Review status: no classification provided. Collection method: research, in vivo. Allele origin: unknown, not applicable. Functional consequence: functionally_normal. Not counted in ClinVar's aggregate classification.

Literature cited by the submitters: PubMed 32077105 (cited by Labcorp Genetics (formerly Invitae), Labcorp).

NM_058179.4(PSAT1):c.173A>G (p.Asn58Ser)

Gene: PSAT1 (phosphoserine aminotransferase 1; plus strand). Cytogenetic location: 9q21.2.
Variant type: single nucleotide variant.
Coding change: c.173A>G on transcript NM_058179.4 (MANE Select); coding-DNA position 173, A replaced by G.
Protein change: p.Asn58Ser; replaces asparagine 58 with serine.
Molecular consequence: missense variant.
Genome position (GRCh38, 1-based): chr9:78,302,005, A>G. VCF-style: chr9-78302005-A-G. GRCh37 (hg19) VCF-style: chr9-80916921-A-G.
Other names: c.173A>G, p.Asn58Ser (NM_021154.5); short protein forms N58S.
Identifiers: ClinVar variation 976932 (VCV000976932.9), dbSNP rs757471190, ClinGen allele CA5095541.